The following is an entry in ClinVar:

ClinVar aggregate classification (germline): Uncertain significance (1 of 4 stars; one submission).

Conditions:
Cardiovascular phenotype. Identifiers: MedGen CN230736.

Submission:

Ambry Genetics
Classification: Uncertain significance for Cardiovascular phenotype. Last evaluated: 2023-12-14. Review status: criteria provided, single submitter. Criteria: Ambry Variant Classification Scheme 2023. Collection method: clinical testing. Allele origin: germline.
Comment: The p.T608P variant (also known as c.1822A>C), located in coding exon 34 of the TRDN gene, results from an A to C substitution at nucleotide position 1822. The threonine at codon 608 is replaced by proline, an amino acid with highly similar properties. This amino acid position is conserved. In addition, this alteration is predicted to be tolerated by in silico analysis. Since supporting evidence is limited at this time, the clinical significance of this alteration remains unclear.

NM_006073.4(TRDN):c.1822A>C (p.Thr608Pro)

Gene: TRDN (triadin; minus strand). Cytogenetic location: 6q22.31.
Variant type: single nucleotide variant.
Coding change: c.1822A>C on transcript NM_006073.4 (MANE Select); coding-DNA position 1822, A replaced by C.
Protein change: p.Thr608Pro; replaces threonine 608 with proline.
Molecular consequence: missense variant.
Genome position (GRCh38, 1-based): chr6:123,260,621, T>G on the plus strand (A>C on the coding strand, the complement: TRDN is on the minus strand). VCF-style: chr6-123260621-T-G. GRCh37 (hg19) VCF-style: chr6-123581766-T-G.
Other names: short protein forms T608P.
Identifiers: ClinVar variation 3225241 (VCV003225241.1), dbSNP rs2533525707, ClinGen allele CA365563757.